The following is an entry in ClinVar:

ClinVar aggregate classification (germline): Conflicting classifications of pathogenicity. Review status: criteria provided, conflicting classifications (1 of 4 stars). 2 submissions from 2 submitters: Likely pathogenic (1); Uncertain significance (1). Last evaluated 2021-11-19.

Conditions:
Autosomal recessive nonsyndromic hearing loss 4 (DFNB4). Also called: FOXI1-Related Pendred Syndrome; KCNJ10-Related Pendred Syndrome; DEAFNESS, AUTOSOMAL RECESSIVE 4, WITH ENLARGED VESTIBULAR AQUEDUCT, DIGENIC; Nonsyndromic enlarged vestibular aqueduct (NSEVA); Deafness, autosomal recessive 4, with enlarged vestibular aqueduct; Enlarged vestibular aqueduct, digenic. Identifiers: Orphanet 90636, MedGen C3538946, MONDO:0010933, OMIM 600791.
Pendred syndrome (PDS). Also called: THYROID DYSHORMONOGENESIS 2B; THYROID HORMONOGENESIS, GENETIC DEFECT IN, 2B; Pendred Syndrome (PDS); DEAFNESS WITH GOITER; GOITER-DEAFNESS SYNDROME; HYPOTHYROIDISM, CONGENITAL, DUE TO DYSHORMONOGENESIS, 2B. Identifiers: Orphanet 705, MedGen C0271829, MONDO:0010134, OMIM 274600.

Allele frequency attached by ClinVar (database versions not stated): gnomAD exomes below 0.00001; ExAC 0.00001; gnomAD 0.00001.
gnomAD v4.1: 2 of 1,602,216 alleles (0.00012%); highest among the groups gnomAD compares: Admixed American, 0.0033%; no homozygotes.

Submissions (2):

Myriad Genetics, Inc.
Classification: Uncertain significance for Pendred syndrome. Last evaluated: 2021-11-19. Review status: criteria provided, single submitter. Criteria: Myriad Women's Health Autosomal Recessive and X-Linked Classification Criteria (2021). Collection method: clinical testing. Allele origin: unknown.
Comment: NM_000441.1(SLC26A4):c.1546C>T(P516S) is a missense variant classified as a variant of uncertain significance in the context of Pendred syndrome. P516S has been observed in cases with relevant disease (PMID: 26445815, 25372295, 28964290). Functional assessments of this variant are not available in the literature. P516S has been observed in population frequency databases (gnomAD: AMR <0.003%). In summary, there is insufficient evidence to classify NM_000441.1(SLC26A4):c.1546C>T(P516S) as pathogenic or benign. Please note: this variant was assessed in the context of healthy population screening.

Genetics Research Center, University of Social Welfare and Rehabilitation Sciences
Classification: Likely pathogenic for Autosomal recessive nonsyndromic hearing loss 4. Review status: criteria provided, single submitter. Criteria: ACMG Guidelines, 2015. Collection method: research. Allele origin: germline. Affected: yes.
Comment: The variant is present in the gnomAD v2.1.1 dataset at a very low allele frequency (0.003%) and has been previously reported in individual(s) affected with SLC26A4-related hearing loss (PMID:26445815, 28964290, 25372295). We observed this variant in compound heterozygosity with the c.1001G>T variant. Another missense variant in the same codon, p.Pro516Ala, has also been reported in patient(s) with recessive nonsyndromic hearing loss (Variation ID:3601743). The variant is predicted to be damaging by multiple in-silico tools.

Literature cited by the submitters: PubMed 28964290 (cited by Myriad Genetics, Inc. and Genetics Research Center, University of Social Welfare and Rehabilitation Sciences); PubMed 25372295 (cited by Myriad Genetics, Inc. and Genetics Research Center, University of Social Welfare and Rehabilitation Sciences); PubMed 26445815 (cited by Myriad Genetics, Inc. and Genetics Research Center, University of Social Welfare and Rehabilitation Sciences).

NM_000441.2(SLC26A4):c.1546C>T (p.Pro516Ser)

Gene: SLC26A4 (solute carrier family 26 member 4; plus strand). Cytogenetic location: 7q22.3.
Variant type: single nucleotide variant.
Coding change: c.1546C>T on transcript NM_000441.2 (MANE Select); coding-DNA position 1546, C replaced by T.
Protein change: p.Pro516Ser; replaces proline 516 with serine.
Molecular consequence: missense variant.
Genome position (GRCh38, 1-based): chr7:107,698,043, C>T. VCF-style: chr7-107698043-C-T. GRCh37 (hg19) VCF-style: chr7-107338488-C-T.
Other names: short protein forms P516S.
Identifiers: ClinVar variation 555779 (VCV000555779.5), dbSNP rs753960052, ClinGen allele CA4432870.